The following is an entry in ClinVar:

ClinVar aggregate classification (germline): Uncertain significance (1 of 4 stars; one submission).

Conditions:
RFT1-congenital disorder of glycosylation (CDG1N). Also called: CDG In; RFT1-CDG; Congenital disorder of glycosylation type In. Identifiers: Orphanet 244310, MedGen C2677590, MONDO:0012783, OMIM 612015.

Allele frequency attached by ClinVar (database versions not stated): gnomAD exomes below 0.00001; TOPMed 0.00001.
gnomAD v4.1: 2 of 1,614,248 alleles (0.00012%); highest among the groups gnomAD compares: South Asian, 0.0011%; no homozygotes.

Submission:

Labcorp Genetics (formerly Invitae), Labcorp
Classification: Uncertain significance for RFT1-congenital disorder of glycosylation. Last evaluated: 2021-07-21. Review status: criteria provided, single submitter. Criteria: Invitae Variant Classification Sherloc (09022015). Collection method: clinical testing. Allele origin: germline.
Comment: In summary, the available evidence is currently insufficient to determine the role of this variant in disease. Therefore, it has been classified as a Variant of Uncertain Significance. Algorithms developed to predict the effect of missense changes on protein structure and function (SIFT, PolyPhen-2, Align-GVGD) all suggest that this variant is likely to be tolerated. This variant has not been reported in the literature in individuals affected with RFT1-related conditions. This variant is not present in population databases (ExAC no frequency). This sequence change replaces methionine with threonine at codon 362 of the RFT1 protein (p.Met362Thr). The methionine residue is moderately conserved and there is a moderate physicochemical difference between methionine and threonine.

NM_052859.4(RFT1):c.1085T>C (p.Met362Thr)

Gene: RFT1 (RFT1 glycolipid translocator homolog; minus strand). Cytogenetic location: 3p21.1.
Variant type: single nucleotide variant.
Coding change: c.1085T>C on transcript NM_052859.4 (MANE Select); coding-DNA position 1085, T replaced by C.
Protein change: p.Met362Thr; replaces methionine 362 with threonine.
Molecular consequence: missense variant.
Genome position (GRCh38, 1-based): chr3:53,103,970, A>G on the plus strand (T>C on the coding strand, the complement: RFT1 is on the minus strand). VCF-style: chr3-53103970-A-G. GRCh37 (hg19) VCF-style: chr3-53137986-A-G.
Other names: short protein forms M362T.
Identifiers: ClinVar variation 1406508 (VCV001406508.8), dbSNP rs1701389862, ClinGen allele CA353228787.